The following is an entry in ClinVar:

NM_003924.4(PHOX2B):c.74G>C (p.Ser25Thr)

Genes: PHOX2B (paired like homeobox 2B; minus strand), PHOX2B-AS1 (PHOX2B antisense RNA 1; plus strand). Cytogenetic location: 4p13.
Variant type: single nucleotide variant.
Coding change: c.74G>C on transcript NM_003924.4 (MANE Select); coding-DNA position 74, G replaced by C.
Protein change: p.Ser25Thr; replaces serine 25 with threonine.
Molecular consequence: missense variant.
Genome position (GRCh38, 1-based): chr4:41,748,537, C>G on the plus strand (G>C on the coding strand, the complement: PHOX2B is on the minus strand). VCF-style: chr4-41748537-C-G. GRCh37 (hg19) VCF-style: chr4-41750554-C-G.
Other names: short protein forms S25T.
Identifiers: ClinVar variation 1435449 (VCV001435449.10), dbSNP rs2153113067, ClinGen allele CA356741151.

ClinVar aggregate classification (germline): Uncertain significance. Review status: criteria provided, multiple submitters, no conflicts (2 of 4 stars). 2 submissions from 2 submitters: Uncertain significance (2). Last evaluated 2022-03-04.

Conditions:
Haddad syndrome (OHD). Also called: Ondine-Hirschsprung disease. Identifiers: Orphanet 99803, MedGen C1859049, MONDO:0020493.
Hereditary cancer-predisposing syndrome. Also called: Neoplastic Syndromes, Hereditary; Hereditary Cancer Syndrome; Hereditary neoplastic syndrome; Tumor predisposition. Identifiers: Orphanet 140162, MedGen C0027672, MeSH D009386, MONDO:0015356.

Submissions (2):

Labcorp Genetics (formerly Invitae), Labcorp
Classification: Uncertain significance for Haddad syndrome. Last evaluated: 2022-03-04. Review status: criteria provided, single submitter. Criteria: Invitae Variant Classification Sherloc (09022015). Collection method: clinical testing. Allele origin: germline.
Comment: In summary, the available evidence is currently insufficient to determine the role of this variant in disease. Therefore, it has been classified as a Variant of Uncertain Significance. This variant is not present in population databases (gnomAD no frequency). This variant has not been reported in the literature in individuals affected with PHOX2B-related conditions. Algorithms developed to predict the effect of missense changes on protein structure and function are either unavailable or do not agree on the potential impact of this missense change (SIFT: "Deleterious"; PolyPhen-2: "Benign"; Align-GVGD: "Class C55"). This sequence change replaces serine, which is neutral and polar, with threonine, which is neutral and polar, at codon 25 of the PHOX2B protein (p.Ser25Thr).

Ambry Genetics
Classification: Uncertain significance for Hereditary cancer-predisposing syndrome. Last evaluated: 2022-02-17. Review status: criteria provided, single submitter. Criteria: Ambry Variant Classification Scheme 2023. Collection method: clinical testing. Allele origin: germline.
Comment: The p.S25T variant (also known as c.74G>C), located in coding exon 1 of the PHOX2B gene, results from a G to C substitution at nucleotide position 74. The serine at codon 25 is replaced by threonine, an amino acid with similar properties. This amino acid position is conserved. In addition, the in silico prediction for this alteration is inconclusive. Since supporting evidence is limited at this time, the clinical significance of this alteration remains unclear.